The following is an entry in ClinVar:

ClinVar aggregate classification (germline): Uncertain significance (1 of 4 stars; one submission).

Submission:

Labcorp Genetics (formerly Invitae), Labcorp
Classification: Uncertain significance. Last evaluated: 2024-05-15. Review status: criteria provided, single submitter. Criteria: Invitae Variant Classification Sherloc (09022015). Collection method: clinical testing. Allele origin: germline.
Comment: This sequence change replaces leucine, which is neutral and non-polar, with phenylalanine, which is neutral and non-polar, at codon 238 of the ASNS protein (p.Leu238Phe). This variant is not present in population databases (gnomAD no frequency). This variant has not been reported in the literature in individuals affected with ASNS-related conditions. ClinVar contains an entry for this variant (Variation ID: 1933198). Advanced modeling of protein sequence and biophysical properties (such as structural, functional, and spatial information, amino acid conservation, physicochemical variation, residue mobility, and thermodynamic stability) performed at Invitae indicates that this missense variant is expected to disrupt ASNS protein function with a positive predictive value of 80%. In summary, the available evidence is currently insufficient to determine the role of this variant in disease. Therefore, it has been classified as a Variant of Uncertain Significance.

NM_001673.5(ASNS):c.712C>T (p.Leu238Phe)

Genes: ASNS (asparagine synthetase (glutamine-hydrolyzing); minus strand), CZ1P-ASNS (CZ1P-ASNS readthrough; minus strand). Cytogenetic location: 7q21.3.
Variant type: single nucleotide variant.
Coding change: c.712C>T on transcript NM_001673.5 (MANE Select); coding-DNA position 712, C replaced by T.
Protein change: p.Leu238Phe; replaces leucine 238 with phenylalanine.
Molecular consequence: missense variant. On other transcripts: non-coding transcript variant (1).
Genome position (GRCh38, 1-based): chr7:97,858,917, G>A on the plus strand (C>T on the coding strand, the complement: ASNS is on the minus strand). VCF-style: chr7-97858917-G-A. GRCh37 (hg19) VCF-style: chr7-97488229-G-A.
Other names: c.649C>T, p.Leu217Phe (NM_001178075.2); c.463C>T, p.Leu155Phe (NM_001178076.2, NM_001178077.1); c.712C>T, p.Leu238Phe (NM_001352496.2, NM_133436.3, NM_183356.4); short protein forms L155F, L238F, L217F.
Identifiers: ClinVar variation 1933198 (VCV001933198.5), dbSNP rs1791584426, ClinGen allele CA368268729.